The following is an entry in ClinVar:

ClinVar aggregate classification (germline): Uncertain significance (1 of 4 stars; one submission).

Submission:

Labcorp Genetics (formerly Invitae), Labcorp
Classification: Uncertain significance. Last evaluated: 2024-03-28. Review status: criteria provided, single submitter. Criteria: Invitae Variant Classification Sherloc (09022015). Collection method: clinical testing. Allele origin: germline.
Comment: This sequence change replaces glycine, which is neutral and non-polar, with arginine, which is basic and polar, at codon 1210 of the COL4A3 protein (p.Gly1210Arg). This variant is not present in population databases (gnomAD no frequency). This variant has not been reported in the literature in individuals affected with COL4A3-related conditions. Advanced modeling of protein sequence and biophysical properties (such as structural, functional, and spatial information, amino acid conservation, physicochemical variation, residue mobility, and thermodynamic stability) performed at Invitae indicates that this missense variant is expected to disrupt COL4A3 protein function with a positive predictive value of 80%. In summary, the available evidence is currently insufficient to determine the role of this variant in disease. Therefore, it has been classified as a Variant of Uncertain Significance.

NM_000091.5(COL4A3):c.3628G>A (p.Gly1210Arg)

Genes: COL4A3 (collagen type IV alpha 3 chain; plus strand), MFF-DT (MFF divergent transcript; minus strand). Cytogenetic location: 2q36.3.
Variant type: single nucleotide variant.
Coding change: c.3628G>A on transcript NM_000091.5 (MANE Select); coding-DNA position 3628, G replaced by A.
Protein change: p.Gly1210Arg; replaces glycine 1210 with arginine.
Molecular consequence: missense variant.
Genome position (GRCh38, 1-based): chr2:227,297,736, G>A. VCF-style: chr2-227297736-G-A. GRCh37 (hg19) VCF-style: chr2-228162452-G-A.
Other names: short protein forms G1210R.
Identifiers: ClinVar variation 3679919 (VCV003679919.2).
Genomic context (GRCh38, chr2:227,297,736, plus strand): 5'-GCCAAAGGAGACAGGGGAGCCCCAGGTTTTCCTGGCCTCCCGGGCAGAAAAGGGGCCATG[G>A]GAGATGCTGGACCTCGAGGACCCACAGGCATAGAAGGATTCCCAGGGCCACCAGGTCTGC-3'
Protein context (NP_000082.2, residues 1200-1220): PGLPGRKGAM[Gly1210Arg]DAGPRGPTGI